The following is an entry in ClinVar:

ClinVar aggregate classification (germline): Uncertain significance (1 of 4 stars; one submission).

Submission:

GeneDx
Classification: Uncertain significance. Last evaluated: 2025-10-27. Review status: criteria provided, single submitter. Criteria: GeneDx Variant Classification Process June 2021. Collection method: clinical testing. Allele origin: germline.
Comment: Not observed at significant frequency in large population cohorts (gnomAD); In silico analysis supports that this missense variant has a deleterious effect on protein structure/function; Has not been previously published as pathogenic or benign to our knowledge; This variant is associated with the following publications: (PMID: 12668474)

NM_000540.3(RYR1):c.8969C>G (p.Pro2990Arg)

Gene: RYR1 (ryanodine receptor 1; plus strand). Cytogenetic location: 19q13.2.
Variant type: single nucleotide variant.
Coding change: c.8969C>G on transcript NM_000540.3 (MANE Select); coding-DNA position 8969, C replaced by G.
Protein change: p.Pro2990Arg; replaces proline 2990 with arginine.
Molecular consequence: missense variant.
Genome position (GRCh38, 1-based): chr19:38,510,534, C>G. VCF-style: chr19-38510534-C-G. GRCh37 (hg19) VCF-style: chr19-39001174-C-G.
Other names: c.8969C>G, p.Pro2990Arg (NM_001042723.2); short protein forms P2990R.
Identifiers: ClinVar variation 1800947 (VCV001800947.2), dbSNP rs768538971, ClinGen allele CA405683422.
Genomic context (GRCh38, chr19:38,510,534, plus strand): 5'-GAACCCTATTTGCCCTCCCTACAGAGGCTGTGGTCAGCAGTGGGCGAGTGGAAAAGTCCC[C>G]ACATGAACAGGAGATTAAATTCTTTGCCAAGGTGAGAGGTGGGCTTAGAAGCTGGAGGGC-3'
Protein context (NP_000531.2, residues 2980-3000): VVSSGRVEKS[Pro2990Arg]HEQEIKFFAK